The following is an entry in ClinVar:

NM_006509.4(RELB):c.1628G>A (p.Gly543Asp)

Gene: RELB (RELB proto-oncogene, NF-kB subunit; plus strand). Cytogenetic location: 19q13.32.
Variant type: single nucleotide variant.
Coding change: c.1628G>A on transcript NM_006509.4 (MANE Select); coding-DNA position 1628, G replaced by A.
Protein change: p.Gly543Asp; replaces glycine 543 with aspartic acid.
Molecular consequence: missense variant.
Genome position (GRCh38, 1-based): chr19:45,037,678, G>A. VCF-style: chr19-45037678-G-A. GRCh37 (hg19) VCF-style: chr19-45540936-G-A.
Other names: short protein forms G543D.
Identifiers: ClinVar variation 1470771 (VCV001470771.8), dbSNP rs758464391, ClinGen allele CA9507926.

ClinVar aggregate classification (germline): Uncertain significance (1 of 4 stars; one submission).

Allele frequency attached by ClinVar (database versions not stated): ExAC 0.00001; gnomAD exomes 0.00001.
gnomAD v4.1: 19 of 1,567,578 alleles (0.0012%); highest among the groups gnomAD compares: Non-Finnish European, 0.0016%; no homozygotes.

Submission:

Labcorp Genetics (formerly Invitae), Labcorp
Classification: Uncertain significance. Last evaluated: 2023-08-19. Review status: criteria provided, single submitter. Criteria: Invitae Variant Classification Sherloc (09022015). Collection method: clinical testing. Allele origin: germline.
Comment: This sequence change replaces glycine, which is neutral and non-polar, with aspartic acid, which is acidic and polar, at codon 543 of the RELB protein (p.Gly543Asp). The frequency data for this variant in the population databases is considered unreliable, as metrics indicate poor data quality at this position in the gnomAD database. This variant has not been reported in the literature in individuals affected with RELB-related conditions. ClinVar contains an entry for this variant (Variation ID: 1470771). An algorithm developed to predict the effect of missense changes on protein structure and function (PolyPhen-2) suggests that this variant is likely to be tolerated. In summary, the available evidence is currently insufficient to determine the role of this variant in disease. Therefore, it has been classified as a Variant of Uncertain Significance.